The following is an entry in ClinVar:

ClinVar aggregate classification (germline): Likely benign (1 of 4 stars; one submission).

Allele frequency attached by ClinVar (database versions not stated): gnomAD exomes 0.00002 and 0.00003; gnomAD 0.00003; TOPMed 0.00003; ExAC 0.00006; ESP Exome Variant Server 0.00008.
gnomAD v4.1: 52 of 1,593,318 alleles (0.0033%); highest among the groups gnomAD compares: East Asian, 0.0045%; no homozygotes.

Submission:

GeneDx
Classification: Likely benign. Last evaluated: 2021-06-01. Review status: criteria provided, single submitter. Criteria: GeneDx Variant Classification Process June 2021. Collection method: clinical testing. Allele origin: germline. Affected: yes.
Comment: This variant is associated with the following publications: (PMID: 27535533, 26582918)

NM_001267550.2(TTN):c.48682C>T (p.Arg16228Cys)

Genes: TTN (titin; minus strand), TTN-AS1 (TTN antisense RNA 1; plus strand), LOC126806426 (BRD4-independent group 4 enhancer GRCh37_chr2:179478848-179480047; plus strand). Cytogenetic location: 2q31.2.
Variant type: single nucleotide variant.
Coding change: c.48682C>T on transcript NM_001267550.2 (MANE Select); coding-DNA position 48682, C replaced by T.
Protein change: p.Arg16228Cys; replaces arginine 16228 with cysteine.
Molecular consequence: missense variant.
Genome position (GRCh38, 1-based): chr2:178,614,925, G>A on the plus strand (C>T on the coding strand, the complement: TTN is on the minus strand). VCF-style: chr2-178614925-G-A. GRCh37 (hg19) VCF-style: chr2-179479652-G-A.
Other names: c.43759C>T, p.Arg14587Cys (NM_001256850.1); c.21487C>T, p.Arg7163Cys (NM_003319.4); c.40978C>T, p.Arg13660Cys (NM_133378.4); c.21862C>T, p.Arg7288Cys (NM_133432.3); c.22063C>T, p.Arg7355Cys (NM_133437.4); short protein forms R14587C, R16228C, R13660C, R7163C, R7288C, R7355C.
Identifiers: ClinVar variation 432297 (VCV000432297.3), dbSNP rs371305932, ClinGen allele CA1994764.